The following is an entry in ClinVar:

ClinVar aggregate classification (germline): Pathogenic/Likely pathogenic. Review status: criteria provided, multiple submitters, no conflicts (2 of 4 stars). 2 submissions from 2 submitters: Pathogenic (1); Likely pathogenic (1). Last evaluated 2026-06-08.

Conditions:
Kufor-Rakeb syndrome (KRS). Also called: PARKINSON DISEASE 9, AUTOSOMAL RECESSIVE, JUVENILE-ONSET. Identifiers: Orphanet 306674, Orphanet 314632, MedGen C1847640, MONDO:0011706, OMIM 606693.
Autosomal recessive spastic paraplegia type 78. Identifiers: Orphanet 513436, MedGen C5567893, MONDO:0014975, OMIM 617225.

Submissions (2):

Institute of Human Genetics, University of Leipzig Medical Center
Classification: Pathogenic for Kufor-Rakeb syndrome. Last evaluated: 2026-06-08. Review status: criteria provided, single submitter. Criteria: ACMG Guidelines, 2015. Collection method: clinical testing. Allele origin: unknown. Inheritance: Autosomal recessive inheritance. Affected: yes.
Comment: Criteria applied: PVS1,PM2,PM3_SUP

UNC Molecular Genetics  Laboratory, University of North Carolina at Chapel Hill
Classification: Likely pathogenic for Kufor-Rakeb syndrome; Spastic paraplegia 78, autosomal recessive. Review status: criteria provided, single submitter. Criteria: ACMG Guidelines, 2015. Collection method: research. Allele origin: germline. Affected: no. Observed: 1 variant allele. Study: NSIGHT-NC NEXUS.
Comment: The c.2135_2136delGT (p.V712Gfs) variant is a frameshift deletion of two nucleotides, which is predicted to result in a nonfunctional ATP13A2 protein.

carrier finding

NM_022089.4(ATP13A2):c.2135_2136del (p.Val712fs)

Gene: ATP13A2 (ATPase cation transporting 13A2; minus strand). Cytogenetic location: 1p36.13.
Variant type: Microsatellite.
Coding change: c.2135_2136del on transcript NM_022089.4 (MANE Select); coding-DNA positions 2135 to 2136, 2 bases deleted (TG; older notation c.2135_2136delTG).
Protein change: p.Val712fs; shifts the reading frame from valine 712.
Molecular consequence: frameshift variant.
Genome position (GRCh38, 1-based): chr1:16,991,849-16,991,850, CA deleted on the plus strand (TG on the coding strand, the reverse complement: ATP13A2 is on the minus strand); deleting any 2 consecutive bases within chr1:16,991,849-16,991,852 gives the same sequence; the c. name uses the placement nearest the transcript's 3' end. VCF-style (leftmost placement, unchanged base first): chr1-16991848-CCA-C. GRCh37 (hg19) VCF-style: chr1-17318343-CCA-C.
Other names: c.2135_2136delTG (NM_022089.4); c.2120_2121del, p.Val707fs (NM_001141973.3, NM_001141974.3); short protein forms V712fs, V707fs.
Identifiers: ClinVar variation 873463 (VCV000873463.2), dbSNP rs2076942520, ClinGen allele CA915940655.
Genomic context (GRCh38, chr1:16,991,848, plus strand): 5'-TTGTCTGCGGCTTCAGTAGGTTCCTCATGACCAGCAGCCCCAGGAGGCTCAGGTCTCCTT[CCA>C]CAGTGTCCCTGGAGGGTGGGCAGACCTGGATCAGAGGTCATGCAGTGGCCAGGGCCCCTC-3'